The following is an entry in ClinVar:

ClinVar aggregate classification (germline): Uncertain significance (1 of 4 stars; one submission).

Conditions:
Emery-Dreifuss muscular dystrophy 4, autosomal dominant (EDMD4). Also called: EMERY-DREIFUSS MUSCULAR DYSTROPHY 4 WITH VARIABLE FEATURES. Identifiers: Orphanet 261, MedGen C2751807, MONDO:0013071, OMIM 612998.
Autosomal recessive ataxia, Beauce type. Also called: SYNE1-Related Autosomal Recessive Cerebellar Ataxia; Spinocerebellar ataxia, autosomal recessive 8; ATAXIA, RECESSIVE, OF BEAUCE; SYNE1 Deficiency. Identifiers: Orphanet 88644, MedGen C1853116, MONDO:0012549, OMIM 610743.

Allele frequency attached by ClinVar (database versions not stated): gnomAD exomes below 0.00001.
gnomAD v4.1: 1 of 1,614,186 alleles (0.000062%); highest among the groups gnomAD compares: Non-Finnish European, 0.000085%; no homozygotes.

Submission:

Labcorp Genetics (formerly Invitae), Labcorp
Classification: Uncertain significance for Emery-Dreifuss muscular dystrophy 4, autosomal dominant; Autosomal recessive ataxia, Beauce type. Last evaluated: 2022-07-19. Review status: criteria provided, single submitter. Criteria: Invitae Variant Classification Sherloc (09022015). Collection method: clinical testing. Allele origin: germline.
Comment: This sequence change replaces glutamine, which is neutral and polar, with proline, which is neutral and non-polar, at codon 2401 of the SYNE1 protein (p.Gln2401Pro). In summary, the available evidence is currently insufficient to determine the role of this variant in disease. Therefore, it has been classified as a Variant of Uncertain Significance. Algorithms developed to predict the effect of missense changes on protein structure and function are either unavailable or do not agree on the potential impact of this missense change (SIFT: "Deleterious"; PolyPhen-2: "Possibly Damaging"; Align-GVGD: "Class C15"). ClinVar contains an entry for this variant (Variation ID: 1396949). This variant has not been reported in the literature in individuals affected with SYNE1-related conditions. This variant is present in population databases (no rsID available, gnomAD 0.0009%).

NM_182961.4(SYNE1):c.7181A>C (p.Gln2394Pro)

Gene: SYNE1 (spectrin repeat containing nuclear envelope protein 1; minus strand). Cytogenetic location: 6q25.2.
Variant type: single nucleotide variant.
Coding change: c.7181A>C on transcript NM_182961.4 (MANE Select); coding-DNA position 7181, A replaced by C.
Protein change: p.Gln2394Pro; replaces glutamine 2394 with proline.
Molecular consequence: missense variant.
Genome position (GRCh38, 1-based): chr6:152,399,672, T>G on the plus strand (A>C on the coding strand, the complement: SYNE1 is on the minus strand). VCF-style: chr6-152399672-T-G. GRCh37 (hg19) VCF-style: chr6-152720807-T-G.
Other names: c.7202A>C, p.Gln2401Pro (NM_033071.5); short protein forms Q2401P, Q2394P.
Identifiers: ClinVar variation 1396949 (VCV001396949.6), dbSNP rs1244195756, ClinGen allele CA366117639.